The following is an entry in ClinVar:

NM_000152.5(GAA):c.1165G>A (p.Glu389Lys)

Gene: GAA (alpha glucosidase; plus strand). Cytogenetic location: 17q25.3.
Variant type: single nucleotide variant.
Coding change: c.1165G>A on transcript NM_000152.5 (MANE Select); coding-DNA position 1165, G replaced by A.
Protein change: p.Glu389Lys; replaces glutamic acid 389 with lysine.
Molecular consequence: missense variant.
Genome position (GRCh38, 1-based): chr17:80,108,578, G>A. VCF-style: chr17-80108578-G-A. GRCh37 (hg19) VCF-style: chr17-78082377-G-A.
Other names: c.1165G>A, p.Glu389Lys (NM_001079803.3, NM_001079804.3); short protein forms E389K.
Identifiers: ClinVar variation 1042005 (VCV001042005.13), dbSNP rs749186162, ClinGen allele CA8815188.

ClinVar aggregate classification (germline): Uncertain significance. Review status: criteria provided, multiple submitters, no conflicts (2 of 4 stars). 3 submissions from 3 submitters: Uncertain significance (2). 1 of the submissions does not count toward it. Last evaluated 2022-03-16.

Conditions:
Glycogen storage disease, type II (IOPD). Also called: Glucosidase acid-1,4-alpha deficiency; Pompe Disease; POMPE DISEASE, INFANTILE-ONSET; GLYCOGEN STORAGE DISEASE II, INFANTILE-ONSET; ACID ALPHA-GLUCOSIDASE DEFICIENCY, INFANTILE-ONSET; GAA DEFICIENCY, INFANTILE-ONSET. Identifiers: Orphanet 365, MedGen C0017921, MONDO:0009290, OMIM 232300.

Allele frequency attached by ClinVar (database versions not stated): gnomAD exomes below 0.00001 and 0.00002; TOPMed below 0.00001; ExAC 0.00002.
gnomAD v4.1: 3 of 1,612,896 alleles (0.00019%); highest among the groups gnomAD compares: East Asian, 0.0045%; no homozygotes.

Submissions (4):

Blueprint Genetics
Classification: Uncertain significance. Last evaluated: 2022-03-16. Review status: criteria provided, single submitter. Criteria: ACMG Guidelines, 2015. Collection method: clinical testing. Allele origin: germline.

Labcorp Genetics (formerly Invitae), Labcorp
Classification: Uncertain significance for Glycogen storage disease, type II. Last evaluated: 2021-08-26. Review status: criteria provided, single submitter. Criteria: Invitae Variant Classification Sherloc (09022015). Collection method: clinical testing. Allele origin: germline.
Comment: This sequence change replaces glutamic acid with lysine at codon 389 of the GAA protein (p.Glu389Lys). The glutamic acid residue is moderately conserved and there is a small physicochemical difference between glutamic acid and lysine. This variant is present in population databases (rs749186162, ExAC 0.02%). This variant has not been reported in the literature in individuals affected with GAA-related conditions. Algorithms developed to predict the effect of missense changes on protein structure and function output the following: SIFT: "Tolerated"; PolyPhen-2: "Benign"; Align-GVGD: "Class C0". The lysine amino acid residue is found in multiple mammalian species, which suggests that this missense change does not adversely affect protein function. In summary, the available evidence is currently insufficient to determine the role of this variant in disease. Therefore, it has been classified as a Variant of Uncertain Significance.

Natera, Inc.
Classification: Uncertain significance for Glycogen storage disease type II. Last evaluated: 2021-03-11. Review status: no assertion criteria provided. Collection method: clinical testing. Allele origin: germline. Not counted in ClinVar's aggregate classification.

Dr. Peter K. Rogan Lab, Western University
No classification provided (evidence only). Condition: Thyroid cancer, nonmedullary, 1. Review status: no classification provided. Collection method: in vitro. Allele origin: not applicable. Functional consequence: retained intron. Not counted in ClinVar's aggregate classification.